The following is an entry in ClinVar:

NM_005859.5(PURA):c.127_141del (p.Ser43_Gly47del)

Gene: PURA (purine rich element binding protein A; plus strand). Cytogenetic location: 5q31.3.
Variant type: Deletion.
Coding change: c.127_141del on transcript NM_005859.5 (MANE Select); coding-DNA positions 127 to 141, 15 bases deleted (AGTGGCGGCGGCGGC).
Protein change: p.Ser43_Gly47del.
Molecular consequence: inframe deletion.
Genome position (GRCh38, 1-based): chr5:140,114,308-140,114,322, AGTGGCGGCGGCGGC deleted; deleting any 15 consecutive bases within chr5:140,114,296-140,114,322 gives the same sequence; the c. name uses the placement nearest the transcript's 3' end. VCF-style (leftmost placement, unchanged base first): chr5-140114295-GGGCGGCGGCGGCAGT-G. GRCh37 (hg19) VCF-style: chr5-139493880-GGGCGGCGGCGGCAGT-G.
Other names: c.127_141del (NM_005859.4).
Identifiers: ClinVar variation 565406 (VCV000565406.12), dbSNP rs1412581529, ClinGen allele CA804698874.

ClinVar aggregate classification (germline): Likely benign. Review status: criteria provided, multiple submitters, no conflicts (2 of 4 stars). 2 submissions from 2 submitters: Likely benign (2). Last evaluated 2026-01-26.

Conditions:
PURA-related severe neonatal hypotonia-seizures-encephalopathy syndrome (NEDRIHF). Also called: PURA-Related Neurodevelopmental Disorders; NEURODEVELOPMENTAL DISORDER WITH NEONATAL RESPIRATORY INSUFFICIENCY, HYPOTONIA, AND FEEDING DIFFICULTIES. Identifiers: Orphanet 438213, Orphanet 438216, MedGen C4015357, MONDO:1060108, OMIM 616158, MONDO:0018580.

Submissions (2):

Labcorp Genetics (formerly Invitae), Labcorp
Classification: Likely benign for PURA-related severe neonatal hypotonia-seizures-encephalopathy syndrome. Last evaluated: 2026-01-26. Review status: criteria provided, single submitter. Criteria: Invitae Variant Classification Sherloc (09022015). Collection method: clinical testing. Allele origin: germline.

GeneDx
Classification: Likely benign. Last evaluated: 2022-12-13. Review status: criteria provided, single submitter. Criteria: GeneDx Variant Classification Process June 2021. Collection method: clinical testing. Allele origin: germline. Affected: yes.
Comment: See Variant Classification Assertion Criteria.